The following is an entry in ClinVar:

NC_012920.1(MT-ATP6):m.8701A>G

Gene: MT-ATP6 (mitochondrially encoded ATP synthase 6; plus strand).
Variant type: single nucleotide variant.
Genome position: chrM-8701-A-G.
Identifiers: ClinVar variation 692955 (VCV000692955.2), dbSNP rs2000975, ClinGen allele CA337097991.
Genomic context (GRCh38, chrMT:8,701, plus strand): 5'-AACAACCGACTAATCACCACCCAACAATGACTAATCAAACTAACCTCAAAACAAATGATA[A>G]CCATACACAACACTAAAGGACGAACCTGATCTCTTATACTAGTATCCTTAATCATTTTTA-3'

ClinVar aggregate classification (germline): Benign. Review status: criteria provided, multiple submitters, no conflicts (2 of 4 stars). 2 submissions from 2 submitters: Benign (2). Last evaluated 2025-02-16.

Conditions:
Leigh syndrome (NULS). Also called: Leigh's necrotizing encephalopathy; Leigh's disease; Leigh Syndrome (mtDNA deletion); Leigh Disease; Subacute necrotizing encephalopathy; Necrotizing encephalopathy infantile subacute of Leigh. Identifiers: Orphanet 506, MedGen C2931891, MONDO:0009723, OMIM 256000.

Submissions (2):

Laboratory of Genetics, Children's Clinical University Hospital Latvia
Classification: Benign. Last evaluated: 2025-02-16. Review status: criteria provided, single submitter. Criteria: ACMG Guidelines, 2015. Collection method: clinical testing. Allele origin: germline. Affected: yes.

Wong Mito Lab, Molecular and Human Genetics, Baylor College of Medicine
Classification: Benign for Leigh syndrome. Last evaluated: 2019-10-17. Review status: criteria provided, single submitter. Criteria: Modified ACMG Guidelines (Unpublished). Collection method: clinical testing. Allele origin: germline.
Comment: The NC_012920.1:m.8701A>G (YP_003024031.1:p.Thr59Ala) variant in MTATP6 gene is interpretated to be a Benign variant based on the modified ACMG guidelines (unpublished). This variant meets the following evidence codes: BA1